The following is an entry in ClinVar:

ClinVar aggregate classification (germline): Uncertain significance (1 of 4 stars; one submission).

Conditions:
FHIT-related disorder. Also called: FHIT-related condition.

gnomAD v4.1: 5 of 1,593,130 alleles (0.00031%); highest among the groups gnomAD compares: Non-Finnish European, 0.00043%; no homozygotes.

Submission:

PreventionGenetics, part of Exact Sciences
Classification: Uncertain significance for FHIT-related condition. Last evaluated: 2026-01-09. Review status: criteria provided, single submitter. Criteria: ACMG Guidelines, 2015. Collection method: clinical testing. Allele origin: germline.
Comment: The FHIT c.12+1G>T variant is predicted to disrupt the GT donor site and interfere with normal splicing. To our knowledge, this variant has not been reported in the literature or in a large population database (gnomAD), indicating this variant is rare. At this time, the clinical significance of this variant is uncertain due to the absence of conclusive functional and genetic evidence.

NM_002012.4(FHIT):c.104-53G>T

Gene: FHIT (fragile histidine triad diadenosine triphosphatase; minus strand). Cytogenetic location: 3p14.2.
Variant type: single nucleotide variant.
Coding change: c.104-53G>T on transcript NM_002012.4 (MANE Select); 53 bases into the intron before coding-DNA position 104, G replaced by T.
Molecular consequence: intron variant. On other transcripts: splice donor variant (1).
Genome position (GRCh38, 1-based): chr3:60,014,205, C>A on the plus strand (G>T on the coding strand, the complement: FHIT is on the minus strand). VCF-style: chr3-60014205-C-A. GRCh37 (hg19) VCF-style: chr3-59999931-C-A.
Other names: c.104-53G>T (NM_001354589.2, NM_001354590.2, NM_001166243.3 and 2 more transcripts); c.12+1G>T (NM_001320901.2).
Identifiers: ClinVar variation 4982733 (VCV004982733.1).